The following is an entry in ClinVar:

ClinVar aggregate classification (germline): Uncertain significance (1 of 4 stars; one submission).

Submission:

GeneDx
Classification: Uncertain significance. Last evaluated: 2026-03-05. Review status: criteria provided, single submitter. Criteria: GeneDx Variant Classification Process June 2021. Collection method: clinical testing. Allele origin: germline.
Comment: Not observed at significant frequency in large population cohorts (gnomAD); In silico analysis supports that this missense variant has a deleterious effect on protein structure/function; Has not been previously published as pathogenic or benign to our knowledge

NM_014225.6(PPP2R1A):c.325G>A (p.Val109Met)

Gene: PPP2R1A (protein phosphatase 2 scaffold subunit Aalpha; plus strand). Cytogenetic location: 19q13.41.
Variant type: single nucleotide variant.
Coding change: c.325G>A on transcript NM_014225.6 (MANE Select); coding-DNA position 325, G replaced by A.
Protein change: p.Val109Met; replaces valine 109 with methionine.
Molecular consequence: missense variant. On other transcripts: 5 prime UTR variant (1), non-coding transcript variant (1).
Genome position (GRCh38, 1-based): chr19:52,211,314, G>A. VCF-style: chr19-52211314-G-A. GRCh37 (hg19) VCF-style: chr19-52714567-G-A.
Other names: c.-213G>A (NM_001363656.2); short protein forms V109M.
Identifiers: ClinVar variation 5008471 (VCV005008471.1).
Genomic context (GRCh38, chr19:52,211,314, plus strand): 5'-CCACAGCCACCGCTGGAGTCGCTGGCCACAGTGGAGGAGACAGTGGTGCGGGACAAGGCA[G>A]TGGAGTCCTTACGGGCCATCTCACACGAGCACTCGCCCTCTGACCTGGAGGCGCACTTTG-3'
Protein context (NP_055040.2, residues 99-119): VEETVVRDKA[Val109Met]ESLRAISHEH